The following is an entry in ClinVar:

ClinVar aggregate classification (germline): Uncertain significance (1 of 4 stars; one submission).

Conditions:
Wiedemann-Steiner syndrome (WDSTS). Also called: Growth deficiency and mental retardation with facial dysmorphism. Identifiers: Orphanet 319182, MedGen C1854630, MONDO:0011518, OMIM 605130.

Submission:

Broad Center for Mendelian Genomics, Broad Institute of MIT and Harvard
Classification: Uncertain significance for Wiedemann-Steiner syndrome. Last evaluated: 2023-05-02. Review status: criteria provided, single submitter. Criteria: ACMG Guidelines, 2015. Collection method: curation. Allele origin: germline. Inheritance: Autosomal dominant inheritance.
Comment: Trio exome analysis revealed this variant to be de novo. The c.11072-1G>A variant in KMT2A has not been previously reported in individuals with Wiedemann-Steiner syndrome. This variant was absent from large population studies. This variant is located in the 3' splice region. Computational tools predict a splicing impact, though this information is not predictive enough to determine pathogenicity. There is an in-frame cryptic splice site 75 bases from the intron-exon boundary, providing evidence that this variant may delete 25 amino acids instead of causing loss of function. However, this information is not predictive enough to determine pathogenicity. Heterozygous loss of function of the KMT2A gene is an established disease mechanism in Wiedemann-Steiner syndrome. In summary, while there is some suspicion for a pathogenic role, the clinical significance of this variant is uncertain. ACMG/AMP Criteria applied: PVS1_Moderate, PS2_Moderate, PM2_Supporting (Richards 2015).

NM_001197104.2(KMT2A):c.11072-1G>A

Genes: KMT2A (lysine methyltransferase 2A; plus strand), TTC36-AS1 (TTC36 and KMT2A antisense RNA 1; minus strand). Cytogenetic location: 11q23.3.
Variant type: single nucleotide variant.
Coding change: c.11072-1G>A on transcript NM_001197104.2 (MANE Select); the canonical splice acceptor site of the intron before coding-DNA position 11072, G replaced by A.
Molecular consequence: splice acceptor variant. On other transcripts: non-coding transcript variant (1).
Genome position (GRCh38, 1-based): chr11:118,511,950, G>A. VCF-style: chr11-118511950-G-A. GRCh37 (hg19) VCF-style: chr11-118382665-G-A.
Other names: NM_005933.4:c.11063-1G>A; c.11162-1G>A (NM_001412597.1); c.11063-1G>A (NM_005933.4).
Identifiers: ClinVar variation 2500906 (VCV002500906.1), dbSNP rs2497062529, ClinGen allele CA382830322.